The following is an entry in ClinVar:

NM_000141.5(FGFR2):c.2301+1196G>A

Gene: FGFR2 (fibroblast growth factor receptor 2; minus strand). Cytogenetic location: 10q26.13.
Variant type: single nucleotide variant.
Coding change: c.2301+1196G>A on transcript NM_000141.5 (MANE Select); 1196 bases into the intron after coding-DNA position 2301, G replaced by A.
Molecular consequence: intron variant.
Genome position (GRCh38, 1-based): chr10:121,482,502, C>T on the plus strand (G>A on the coding strand, the complement: FGFR2 is on the minus strand). VCF-style: chr10-121482502-C-T. GRCh37 (hg19) VCF-style: chr10-123242016-C-T.
Other names: c.1965+1196G>A (NM_001144914.1); c.1950+1196G>A (NM_001144918.2, NM_001441091.1); c.1956+1196G>A (NM_001441090.1, NM_001144916.2); c.2028+1196G>A (NM_001441089.1); c.2034+1196G>A (NM_023029.3, NM_001144915.2); c.2031+1196G>A (NM_001441088.1); c.1953+1196G>A (NM_001144917.2); c.2295+1196G>A (NM_001320658.2); and 5 more.
Identifiers: ClinVar variation 1711267 (VCV001711267.30), dbSNP rs3135815, ClinGen allele CA214952837.

ClinVar aggregate classification (germline): Likely benign (1 of 4 stars; one submission).

Allele frequency attached by ClinVar (database versions not stated): 1000 Genomes Project 30x 0.00031; 1000 Genomes Project 0.00040; gnomAD 0.00238; TOPMed 0.00283.
gnomAD v4.1: 399 of 152,264 alleles (0.26%); highest among the groups gnomAD compares: Non-Finnish European, 0.45%; 1 homozygote.

Submission:

CeGaT Center for Human Genetics Tuebingen
Classification: Likely benign. Last evaluated: 2026-06-01. Review status: criteria provided, single submitter. Criteria: CeGaT Center For Human Genetics Tuebingen Variant Classification Criteria Version 2. Collection method: clinical testing. Allele origin: germline. Affected: yes. Observed: 12 variant alleles.
Comment: FGFR2: BS1